The following is an entry in ClinVar:

ClinVar aggregate classification (germline): Uncertain significance (1 of 4 stars; one submission).

Submission:

Labcorp Genetics (formerly Invitae), Labcorp
Classification: Uncertain significance. Last evaluated: 2023-04-14. Review status: criteria provided, single submitter. Criteria: Invitae Variant Classification Sherloc (09022015). Collection method: clinical testing. Allele origin: germline.
Comment: This sequence change creates a premature translational stop signal (p.Trp1281*) in the CNTNAP1 gene. While this is not anticipated to result in nonsense mediated decay, it is expected to disrupt the last 104 amino acid(s) of the CNTNAP1 protein. This variant is not present in population databases (gnomAD no frequency). This variant has not been reported in the literature in individuals affected with CNTNAP1-related conditions. ClinVar contains an entry for this variant (Variation ID: 2013075). Experimental studies and prediction algorithms are not available or were not evaluated, and the functional significance of this variant is currently unknown. In summary, the available evidence is currently insufficient to determine the role of this variant in disease. Therefore, it has been classified as a Variant of Uncertain Significance.

NM_003632.3(CNTNAP1):c.3843G>A (p.Trp1281Ter)

Gene: CNTNAP1 (contactin associated protein 1; plus strand). Cytogenetic location: 17q21.2.
Variant type: single nucleotide variant.
Coding change: c.3843G>A on transcript NM_003632.3 (MANE Select); coding-DNA position 3843, G replaced by A.
Protein change: p.Trp1281Ter; replaces tryptophan 1281 with a stop codon.
Molecular consequence: nonsense.
Genome position (GRCh38, 1-based): chr17:42,697,931, G>A. VCF-style: chr17-42697931-G-A. GRCh37 (hg19) VCF-style: chr17-40849949-G-A.
Other names: short protein forms W1281*.
Identifiers: ClinVar variation 2013075 (VCV002013075.4), dbSNP rs2053172150, ClinGen allele CA399630739.
Genomic context (GRCh38, chr17:42,697,931, plus strand): 5'-GCATCTCCTAACTGGTGCTTTCTCCTCTCCAGACTTCCCCTACTACCATGATGAAGGATG[G>A]GTTGCCATACTTTTAGGCTGTGAGTAGCACTGATCACTAAGCTGACCTCCCAAGACTACC-3'